The following is an entry in ClinVar:

ClinVar aggregate classification (germline): Uncertain significance (1 of 4 stars; one submission).

Conditions:
Hereditary cancer-predisposing syndrome. Also called: Neoplastic Syndromes, Hereditary; Tumor predisposition; Hereditary neoplastic syndrome; Hereditary Cancer Syndrome. Identifiers: Orphanet 140162, MedGen C0027672, MeSH D009386, MONDO:0015356.

Submission:

Ambry Genetics
Classification: Uncertain significance for Hereditary cancer-predisposing syndrome. Last evaluated: 2023-09-20. Review status: criteria provided, single submitter. Criteria: Ambry Variant Classification Scheme 2023. Collection method: clinical testing. Allele origin: germline.
Comment: The p.S459Y variant (also known as c.1376C>A), located in coding exon 14 of the RB1 gene, results from a C to A substitution at nucleotide position 1376. The serine at codon 459 is replaced by tyrosine, an amino acid with dissimilar properties. This amino acid position is conserved. In addition, the in silico prediction for this alteration is inconclusive. Since supporting evidence is limited at this time, the clinical significance of this alteration remains unclear.

NM_000321.3(RB1):c.1376C>A (p.Ser459Tyr)

Gene: RB1 (RB transcriptional corepressor 1; plus strand). Cytogenetic location: 13q14.2.
Variant type: single nucleotide variant.
Coding change: c.1376C>A on transcript NM_000321.3 (MANE Select); coding-DNA position 1376, C replaced by A.
Protein change: p.Ser459Tyr; replaces serine 459 with tyrosine.
Molecular consequence: missense variant.
Genome position (GRCh38, 1-based): chr13:48,379,637, C>A. VCF-style: chr13-48379637-C-A. GRCh37 (hg19) VCF-style: chr13-48953773-C-A.
Other names: c.1376C>A, p.Ser459Tyr (NM_001407165.1, NM_001407166.1); short protein forms S459Y.
Identifiers: ClinVar variation 3231186 (VCV003231186.1), dbSNP rs1593455667, ClinGen allele CA388162624.